The following is an entry in ClinVar:

ClinVar aggregate classification (germline): Uncertain significance (1 of 4 stars; one submission).

Conditions:
Cardiovascular phenotype. Identifiers: MedGen CN230736.

Submission:

Ambry Genetics
Classification: Uncertain significance for Cardiovascular phenotype. Last evaluated: 2025-09-23. Review status: criteria provided, single submitter. Criteria: Ambry Variant Classification Scheme 2023. Collection method: clinical testing. Allele origin: germline.
Comment: The p.K633R variant (also known as c.1898A>G), located in coding exon 15 of the MYH7 gene, results from an A to G substitution at nucleotide position 1898. The lysine at codon 633 is replaced by arginine, an amino acid with highly similar properties. This amino acid position is highly conserved in available vertebrate species. In addition, this alteration is predicted to be tolerated by in silico analysis. Based on the available evidence, the clinical significance of this variant remains unclear.

NM_000257.4(MYH7):c.1898A>G (p.Lys633Arg)

Gene: MYH7 (myosin heavy chain 7; minus strand). Cytogenetic location: 14q11.2.
Variant type: single nucleotide variant.
Coding change: c.1898A>G on transcript NM_000257.4 (MANE Select); coding-DNA position 1898, A replaced by G.
Protein change: p.Lys633Arg; replaces lysine 633 with arginine.
Molecular consequence: missense variant.
Genome position (GRCh38, 1-based): chr14:23,427,298, T>C on the plus strand (A>G on the coding strand, the complement: MYH7 is on the minus strand). VCF-style: chr14-23427298-T-C. GRCh37 (hg19) VCF-style: chr14-23896507-T-C.
Other names: c.1898A>G, p.Lys633Arg (NM_001407004.1); short protein forms K633R.
Identifiers: ClinVar variation 4614638 (VCV004614638.1).